The following is an entry in ClinVar:

NM_030665.4(RAI1):c.1042C>T (p.Arg348Cys)

Gene: RAI1 (retinoic acid induced 1; plus strand). Cytogenetic location: 17p11.2.
Variant type: single nucleotide variant.
Coding change: c.1042C>T on transcript NM_030665.4 (MANE Select); coding-DNA position 1042, C replaced by T.
Protein change: p.Arg348Cys; replaces arginine 348 with cysteine.
Molecular consequence: missense variant.
Genome position (GRCh38, 1-based): chr17:17,793,990, C>T. VCF-style: chr17-17793990-C-T. GRCh37 (hg19) VCF-style: chr17-17697304-C-T.
Other names: short protein forms R348C.
Identifiers: ClinVar variation 1774515 (VCV001774515.8), dbSNP rs750349377, ClinGen allele CA8418257.
Genomic context (GRCh38, chr17:17,793,990, plus strand): 5'-GTCCGGACCCCAGAGCAGTACTACCAGACCTTCAGCCCCAGCTCCAGCCACTCACCCGCC[C>T]GCTCCGTGGGCCGCTCACCTTCCTACAGTTCCACACCGTCGCCGCTGATGCCAAACCTGG-3'
Protein context (NP_109590.3, residues 338-358): FSPSSSHSPA[Arg348Cys]SVGRSPSYSS

ClinVar aggregate classification (germline): Conflicting classifications of pathogenicity. Review status: criteria provided, conflicting classifications (1 of 4 stars). 3 submissions from 3 submitters: Uncertain significance (1); Likely benign (1). 1 of the submissions does not count toward it. Last evaluated 2024-09-06.

Conditions:
RAI1-related disorder. Also called: RAI1-related condition.
Inborn genetic diseases. Identifiers: MedGen C0950123, MeSH D030342.

Allele frequency attached by ClinVar (database versions not stated): gnomAD 0.00001; gnomAD exomes 0.00001; ExAC 0.00002; TOPMed 0.00002.
gnomAD v4.1: 16 of 1,613,874 alleles (0.00099%); highest among the groups gnomAD compares: East Asian, 0.0045%; no homozygotes.

Submissions (3):

Labcorp Genetics (formerly Invitae), Labcorp
Classification: Likely benign. Last evaluated: 2024-09-06. Review status: criteria provided, single submitter. Criteria: Invitae Variant Classification Sherloc (09022015). Collection method: clinical testing. Allele origin: germline.

Ambry Genetics
Classification: Uncertain significance for Inborn genetic diseases. Last evaluated: 2017-12-01. Review status: criteria provided, single submitter. Criteria: Ambry Variant Classification Scheme 2023. Collection method: clinical testing. Allele origin: germline.
Comment: The p.R348C variant (also known as c.1042C>T), located in coding exon 1 of the RAI1 gene, results from a C to T substitution at nucleotide position 1042. The arginine at codon 348 is replaced by cysteine, an amino acid with highly dissimilar properties. This amino acid position is highly conserved in available vertebrate species. In addition, this alteration is predicted to be tolerated by in silico analysis. Since supporting evidence is limited at this time, the clinical significance of this alteration remains unclear.

PreventionGenetics, part of Exact Sciences
Classification: Likely benign for RAI1-related condition. Last evaluated: 2024-04-04. Review status: no assertion criteria provided. Collection method: clinical testing. Allele origin: germline. Not counted in ClinVar's aggregate classification.
Comment: This variant is classified as likely benign based on ACMG/AMP sequence variant interpretation guidelines (Richards et al. 2015 PMID: 25741868, with internal and published modifications).